The following is an entry in ClinVar:

ClinVar aggregate classification (germline): Likely benign. Review status: criteria provided, multiple submitters, no conflicts (2 of 4 stars). 3 submissions from 3 submitters: Likely benign (2). 1 of the submissions does not count toward it. Last evaluated 2026-01-19.

Conditions:
SDCCAG8-related disorder. Also called: SDCCAG8-Related Disorders; SDCCAG8-related condition.
Senior-Loken syndrome 7 (SLSN7). Identifiers: Orphanet 3156, MedGen C3150877, MONDO:0013326, OMIM 613615.
Bardet-Biedl syndrome 16 (BBS16). Identifiers: Orphanet 110, MedGen C3889474, MONDO:0014444, OMIM 615993.

Allele frequency attached by ClinVar (database versions not stated): TOPMed 0.00003; gnomAD 0.00004 and 0.00003; ESP Exome Variant Server 0.00008; gnomAD exomes 0.00003 and 0.00009; ExAC 0.00003.
gnomAD v4.1: 137 of 1,613,256 alleles (0.0085%); highest among the groups gnomAD compares: Non-Finnish European, 0.011%; no homozygotes.

Submissions (3):

Labcorp Genetics (formerly Invitae), Labcorp
Classification: Likely benign for Bardet-Biedl syndrome 16; Senior-Loken syndrome 7. Last evaluated: 2026-01-19. Review status: criteria provided, single submitter. Criteria: Invitae Variant Classification Sherloc (09022015). Collection method: clinical testing. Allele origin: germline.

Blueprint Genetics
Classification: Likely benign. Last evaluated: 2024-04-11. Review status: criteria provided, single submitter. Criteria: ACMG Guidelines, 2015. Collection method: clinical testing. Allele origin: germline.

PreventionGenetics, part of Exact Sciences
Classification: Likely benign for SDCCAG8-related condition. Last evaluated: 2023-10-16. Review status: no assertion criteria provided. Collection method: clinical testing. Allele origin: germline. Not counted in ClinVar's aggregate classification.
Comment: This variant is classified as likely benign based on ACMG/AMP sequence variant interpretation guidelines (Richards et al. 2015 PMID: 25741868, with internal and published modifications).

NM_006642.5(SDCCAG8):c.1986-6C>T

Genes: AKT3 (AKT serine/threonine kinase 3; minus strand), SDCCAG8 (SHH signaling and ciliogenesis regulator SDCCAG8; plus strand). Cytogenetic location: 1q43.
Variant type: single nucleotide variant.
Coding change: c.1986-6C>T on transcript NM_006642.5 (MANE Select); 6 bases into the intron before coding-DNA position 1986, C replaced by T.
Molecular consequence: intron variant.
Genome position (GRCh38, 1-based): chr1:243,489,008, C>T. VCF-style: chr1-243489008-C-T. GRCh37 (hg19) VCF-style: chr1-243652310-C-T.
Other names: c.1692-6C>T (NM_001350249.2); c.1083-6C>T (NM_001350251.2, NM_001350246.2, NM_001350247.2); c.2082-6C>T (NM_001350248.2); c.*7-558G>A (NM_181690.2).
Identifiers: ClinVar variation 1125528 (VCV001125528.12), dbSNP rs373079768, ClinGen allele CA1483813.
Genomic context (GRCh38, chr1:243,489,008, plus strand): 5'-CAGCCCCTGGGCCTGTTGAAAGGCTGACGTTATCCCTCTTTAATTCTGCGGTGGATTTTT[C>T]TCCAGGCTAAGGCAGCTGGATAAGCACAGCCAGGCCACAGCCCAGCAGCTGGTGCAGCTC-3'